The following is an entry in ClinVar:

ClinVar aggregate classification (germline): Uncertain significance (1 of 4 stars; one submission).

Conditions:
DICER1-related tumor predisposition. Also called: DICER1-related pleuropulmonary blastoma cancer predisposition syndrome; DICER1 syndrome. Identifiers: Orphanet 284343, MedGen C3839822, MONDO:0100216.

gnomAD v4.1: 5 of 1,613,978 alleles (0.00031%); highest among the groups gnomAD compares: Non-Finnish European, 0.00042%; no homozygotes.

Submission:

Labcorp Genetics (formerly Invitae), Labcorp
Classification: Uncertain significance for DICER1-related tumor predisposition. Last evaluated: 2025-06-05. Review status: criteria provided, single submitter. Criteria: Invitae Variant Classification Sherloc (09022015). Collection method: clinical testing. Allele origin: germline.
Comment: This sequence change replaces serine, which is neutral and polar, with threonine, which is neutral and polar, at codon 82 of the DICER1 protein (p.Ser82Thr). This variant is not present in population databases (gnomAD no frequency). This variant has not been reported in the literature in individuals affected with DICER1-related conditions. Invitae Evidence Modeling of protein sequence and biophysical properties (such as structural, functional, and spatial information, amino acid conservation, physicochemical variation, residue mobility, and thermodynamic stability) indicates that this missense variant is not expected to disrupt DICER1 protein function with a negative predictive value of 95%. In summary, the available evidence is currently insufficient to determine the role of this variant in disease. Therefore, it has been classified as a Variant of Uncertain Significance.

NM_177438.3(DICER1):c.244T>A (p.Ser82Thr)

Gene: DICER1 (dicer 1, ribonuclease III; minus strand). Cytogenetic location: 14q32.13.
Variant type: single nucleotide variant.
Coding change: c.244T>A on transcript NM_177438.3 (MANE Select); coding-DNA position 244, T replaced by A.
Protein change: p.Ser82Thr; replaces serine 82 with threonine.
Molecular consequence: missense variant. On other transcripts: 5 prime UTR variant (9), non-coding transcript variant (6).
Genome position (GRCh38, 1-based): chr14:95,132,578, A>T on the plus strand (T>A on the coding strand, the complement: DICER1 is on the minus strand). VCF-style: chr14-95132578-A-T. GRCh37 (hg19) VCF-style: chr14-95598915-A-T.
Other names: c.244T>A, p.Ser82Thr (NM_001195573.1, NM_001271282.3, NM_001291628.2 and 14 more transcripts); c.-31T>A (NM_001395686.1, NM_001395687.1, NM_001395688.1 and 4 more transcripts); c.-215T>A (NM_001395691.1); c.-1325T>A (NM_001395697.1); short protein forms S82T.
Identifiers: ClinVar variation 4699072 (VCV004699072.1).